The following is an entry in ClinVar:

NM_015271.5(TRIM2):c.2104G>A (p.Val702Ile)

Gene: TRIM2 (tripartite motif containing 2; plus strand). Cytogenetic location: 4q31.3.
Variant type: single nucleotide variant.
Coding change: c.2104G>A on transcript NM_015271.5 (MANE Select); coding-DNA position 2104, G replaced by A.
Protein change: p.Val702Ile; replaces valine 702 with isoleucine.
Molecular consequence: missense variant.
Genome position (GRCh38, 1-based): chr4:153,328,611, G>A. VCF-style: chr4-153328611-G-A. GRCh37 (hg19) VCF-style: chr4-154249763-G-A.
Other names: c.2023G>A, p.Val675Ile (NM_001130067.2, NM_001375512.1, NM_001375513.1 and 4 more transcripts); c.2089G>A, p.Val697Ile (NM_001351054.2); c.2086G>A, p.Val696Ile (NM_001351055.2); c.2035G>A, p.Val679Ile (NM_001351056.2); c.1648G>A, p.Val550Ile (NM_001351057.2); c.2197G>A, p.Val733Ile (NM_001375488.1); c.2194G>A, p.Val732Ile (NM_001375489.1); c.2047G>A, p.Val683Ile (NM_001375490.1); and 4 more; short protein forms V696I, V589I, V683I, V702I, V733I, V590I, V591I, V675I.
Identifiers: ClinVar variation 2881293 (VCV002881293.3), dbSNP rs563971659, ClinGen allele CA3108901.

ClinVar aggregate classification (germline): Uncertain significance (1 of 4 stars; one submission).

Conditions:
Charcot-Marie-Tooth disease type 2R. Also called: CHARCOT-MARIE-TOOTH NEUROPATHY, TYPE 2R; CHARCOT-MARIE-TOOTH DISEASE, AXONAL, AUTOSOMAL RECESSIVE, TYPE 2R; Charcot-Marie-Tooth disease, axonal, type 2R. Identifiers: Orphanet 397968, MedGen C3809655, MONDO:0014208, OMIM 615490.

Allele frequency attached by ClinVar (database versions not stated): gnomAD 0.00001; ExAC 0.00002; 1000 Genomes Project 0.00040; 1000 Genomes Project 30x 0.00062.
gnomAD v4.1: 2 of 1,612,672 alleles (0.00012%); highest among the groups gnomAD compares: East Asian, 0.0045%; no homozygotes.

Submission:

Labcorp Genetics (formerly Invitae), Labcorp
Classification: Uncertain significance for Charcot-Marie-Tooth disease type 2R. Last evaluated: 2023-08-14. Review status: criteria provided, single submitter. Criteria: Invitae Variant Classification Sherloc (09022015). Collection method: clinical testing. Allele origin: germline.
Comment: This sequence change replaces valine, which is neutral and non-polar, with isoleucine, which is neutral and non-polar, at codon 675 of the TRIM2 protein (p.Val675Ile). This variant is present in population databases (rs563971659, gnomAD 0.01%). This variant has not been reported in the literature in individuals affected with TRIM2-related conditions. An algorithm developed to predict the effect of missense changes on protein structure and function (PolyPhen-2) suggests that this variant is likely to be disruptive. In summary, the available evidence is currently insufficient to determine the role of this variant in disease. Therefore, it has been classified as a Variant of Uncertain Significance.